The following is an entry in ClinVar:

ClinVar aggregate classification (germline): Uncertain significance (1 of 4 stars; one submission).

Conditions:
Ullrich congenital muscular dystrophy 2 (UCMD2). Identifiers: Orphanet 75840, MedGen C4225314, MONDO:0014654, OMIM 616470.
Bethlem myopathy 2 (BTHLM2). Identifiers: Orphanet 536516, Orphanet 610, MedGen C4225313, MONDO:0034022, OMIM 616471.

Submission:

Labcorp Genetics (formerly Invitae), Labcorp
Classification: Uncertain significance for Bethlem myopathy 2; Ullrich congenital muscular dystrophy 2. Last evaluated: 2019-11-19. Review status: criteria provided, single submitter. Criteria: Invitae Variant Classification Sherloc (09022015). Collection method: clinical testing. Allele origin: germline.
Comment: In summary, the available evidence is currently insufficient to determine the role of this variant in disease. Therefore, it has been classified as a Variant of Uncertain Significance. Algorithms developed to predict the effect of sequence changes on RNA splicing suggest that this variant may disrupt the consensus splice site, but this prediction has not been confirmed by published transcriptional studies. Algorithms developed to predict the effect of missense changes on protein structure and function are either unavailable or do not agree on the potential impact of this missense change (SIFT: "Deleterious"; PolyPhen-2: "Benign"; Align-GVGD: "Class C0"). This variant has not been reported in the literature in individuals with COL12A1-related conditions. This variant is not present in population databases (ExAC no frequency). This sequence change replaces valine with phenylalanine at codon 2651 of the COL12A1 protein (p.Val2651Phe). The valine residue is highly conserved and there is a small physicochemical difference between valine and phenylalanine.

NM_004370.6(COL12A1):c.7951G>T (p.Val2651Phe)

Gene: COL12A1 (collagen type XII alpha 1 chain; minus strand). Cytogenetic location: 6q13.
Variant type: single nucleotide variant.
Coding change: c.7951G>T on transcript NM_004370.6 (MANE Select); coding-DNA position 7951, G replaced by T.
Protein change: p.Val2651Phe; replaces valine 2651 with phenylalanine.
Molecular consequence: missense variant.
Genome position (GRCh38, 1-based): chr6:75,109,167, C>A on the plus strand (G>T on the coding strand, the complement: COL12A1 is on the minus strand). VCF-style: chr6-75109167-C-A. GRCh37 (hg19) VCF-style: chr6-75818883-C-A.
Other names: c.4459G>T, p.Val1487Phe (NM_080645.3); short protein forms V2651F, V1487F.
Identifiers: ClinVar variation 849454 (VCV000849454.10), dbSNP rs1347122880, ClinGen allele CA364742078.